The following is an entry in ClinVar:

ClinVar aggregate classification (germline): Uncertain significance (1 of 4 stars; one submission).

Conditions:
Adams-Oliver syndrome 5 (AOS5). Identifiers: Orphanet 974, MedGen C4014970, MONDO:0014459, OMIM 616028.

gnomAD v4.1: 1 of 1,610,066 alleles (0.000062%); highest among the groups gnomAD compares: South Asian, 0.0011%; no homozygotes.

Submission:

Labcorp Genetics (formerly Invitae), Labcorp
Classification: Uncertain significance for Adams-Oliver syndrome 5. Last evaluated: 2024-11-14. Review status: criteria provided, single submitter. Criteria: Invitae Variant Classification Sherloc (09022015). Collection method: clinical testing. Allele origin: germline.
Comment: This sequence change replaces glycine, which is neutral and non-polar, with arginine, which is basic and polar, at codon 901 of the NOTCH1 protein (p.Gly901Arg). This variant is not present in population databases (gnomAD no frequency). This variant has not been reported in the literature in individuals affected with NOTCH1-related conditions. Invitae Evidence Modeling of protein sequence and biophysical properties (such as structural, functional, and spatial information, amino acid conservation, physicochemical variation, residue mobility, and thermodynamic stability) indicates that this missense variant is expected to disrupt NOTCH1 protein function with a positive predictive value of 80%. In summary, the available evidence is currently insufficient to determine the role of this variant in disease. Therefore, it has been classified as a Variant of Uncertain Significance.

NM_017617.5(NOTCH1):c.2701G>A (p.Gly901Arg)

Gene: NOTCH1 (notch receptor 1; minus strand). Cytogenetic location: 9q34.3.
Variant type: single nucleotide variant.
Coding change: c.2701G>A on transcript NM_017617.5 (MANE Select); coding-DNA position 2701, G replaced by A.
Protein change: p.Gly901Arg; replaces glycine 901 with arginine.
Molecular consequence: missense variant.
Genome position (GRCh38, 1-based): chr9:136,510,692, C>T on the plus strand (G>A on the coding strand, the complement: NOTCH1 is on the minus strand). VCF-style: chr9-136510692-C-T. GRCh37 (hg19) VCF-style: chr9-139405144-C-T.
Other names: short protein forms G901R.
Identifiers: ClinVar variation 3712319 (VCV003712319.2).